The following is an entry in ClinVar:

NM_001130438.3(SPTAN1):c.5601-23_5601-20delinsAGAAAA

Gene: SPTAN1 (spectrin alpha, non-erythrocytic 1; plus strand). Cytogenetic location: 9q34.11.
Variant type: Indel.
Coding change: c.5601-23_5601-20delinsAGAAAA on transcript NM_001130438.3 (MANE Select); 23 bases into the intron before coding-DNA position 5601 through 20 bases into the intron before coding-DNA position 5601, TTCT replaced by AGAAAA.
Molecular consequence: intron variant.
Genome position (GRCh38, 1-based): chr9:128,618,848-128,618,851, TTCT replaced by AGAAAA. VCF-style: chr9-128618848-TTCT-AGAAAA. GRCh37 (hg19) VCF-style: chr9-131381127-TTCT-AGAAAA.
Other names: c.5637-23_5637-20delinsAGAAAA (NM_001375318.1, NM_001375312.2); c.5601-23_5601-20delinsAGAAAA (NM_001375311.2, NM_001375310.1, NM_001363759.2 and 1 more transcripts); c.5541-23_5541-20delinsAGAAAA (NM_001375314.2, NM_001363765.2); c.5586-23_5586-20delinsAGAAAA (NM_003127.4); c.5526-23_5526-20delinsAGAAAA (NM_001195532.2).
Identifiers: ClinVar variation 3648460 (VCV003648460.2).

ClinVar aggregate classification (germline): Uncertain significance (1 of 4 stars; one submission).

Conditions:
Early-infantile DEE. Also called: Early infantile epileptic encephalopathy; Ohtahara syndrome; Early infantile epileptic encephalopathy with suppression bursts. Identifiers: Orphanet 1934, MedGen C0393706, MONDO:0800491.

Submission:

Labcorp Genetics (formerly Invitae), Labcorp
Classification: Uncertain significance for Early-infantile DEE. Last evaluated: 2024-04-02. Review status: criteria provided, single submitter. Criteria: Invitae Variant Classification Sherloc (09022015). Collection method: clinical testing. Allele origin: germline.
Comment: This sequence change falls in intron 43 of the SPTAN1 gene. It does not directly change the encoded amino acid sequence of the SPTAN1 protein. This variant is not present in population databases (gnomAD no frequency). This variant has not been reported in the literature in individuals affected with SPTAN1-related conditions. Experimental studies and prediction algorithms are not available or were not evaluated, and the effect of this variant on mRNA splicing is currently unknown. In summary, the available evidence is currently insufficient to determine the role of this variant in disease. Therefore, it has been classified as a Variant of Uncertain Significance.